The following is an entry in ClinVar:

ClinVar aggregate classification (germline): Uncertain significance (1 of 4 stars; one submission).

Conditions:
Developmental and epileptic encephalopathy, 12 (DEE12). Identifiers: MedGen C3150988, MONDO:0013389, OMIM 613722.

Submission:

Labcorp Genetics (formerly Invitae), Labcorp
Classification: Uncertain significance for Developmental and epileptic encephalopathy, 12. Last evaluated: 2021-12-02. Review status: criteria provided, single submitter. Criteria: Invitae Variant Classification Sherloc (09022015). Collection method: clinical testing. Allele origin: germline.
Comment: This sequence change replaces leucine, which is neutral and non-polar, with proline, which is neutral and non-polar, at codon 142 of the PLCB1 protein (p.Leu142Pro). This variant is not present in population databases (gnomAD no frequency). This variant has not been reported in the literature in individuals affected with PLCB1-related conditions. Algorithms developed to predict the effect of missense changes on protein structure and function are either unavailable or do not agree on the potential impact of this missense change (SIFT: "Tolerated"; PolyPhen-2: "Possibly Damaging"; Align-GVGD: "Class C0"). In summary, the available evidence is currently insufficient to determine the role of this variant in disease. Therefore, it has been classified as a Variant of Uncertain Significance.

NM_015192.4(PLCB1):c.425T>C (p.Leu142Pro)

Gene: PLCB1 (phospholipase C beta 1; plus strand). Cytogenetic location: 20p12.3.
Variant type: single nucleotide variant.
Coding change: c.425T>C on transcript NM_015192.4 (MANE Select); coding-DNA position 425, T replaced by C.
Protein change: p.Leu142Pro; replaces leucine 142 with proline.
Molecular consequence: missense variant.
Genome position (GRCh38, 1-based): chr20:8,646,142, T>C. VCF-style: chr20-8646142-T-C. GRCh37 (hg19) VCF-style: chr20-8626789-T-C.
Other names: c.425T>C, p.Leu142Pro (NM_182734.3); short protein forms L142P.
Identifiers: ClinVar variation 1471270 (VCV001471270.8), dbSNP rs2123285875, ClinGen allele CA408262461.